The following is an entry in ClinVar:

NM_194454.3(KRIT1):c.730-1G>A

Gene: KRIT1 (KRIT1 ankyrin repeat containing; minus strand). Cytogenetic location: 7q21.2.
Variant type: single nucleotide variant.
Coding change: c.730-1G>A on transcript NM_194454.3 (MANE Select); the canonical splice acceptor site of the intron before coding-DNA position 730, G replaced by A.
Molecular consequence: splice acceptor variant.
Genome position (GRCh38, 1-based): chr7:92,234,924, C>T on the plus strand (G>A on the coding strand, the complement: KRIT1 is on the minus strand). VCF-style: chr7-92234924-C-T. GRCh37 (hg19) VCF-style: chr7-91864238-C-T.
Other names: c.730-1G>A (NM_001350672.1, NM_001350676.1, NM_001350673.1 and 29 more transcripts); c.16-1G>A (NM_001350671.1).
Identifiers: ClinVar variation 590753 (VCV000590753.10), dbSNP rs1554527922, ClinGen allele CA368159110.

ClinVar aggregate classification (germline): Pathogenic. Review status: criteria provided, multiple submitters, no conflicts (2 of 4 stars). 2 submissions from 2 submitters: Pathogenic (2). Last evaluated 2017-06-08.

Conditions:
Cerebral cavernous malformation (CCM). Also called: Cavernous Hemangioma of Brain; Cerebral cavernous hemangioma (type); Cerebral cavernous malformations; CAVERNOUS ANGIOMA, FAMILIAL; CAVERNOUS ANGIOMATOUS MALFORMATIONS; CEREBRAL CAPILLARY MALFORMATIONS. Identifiers: Orphanet 221061, MedGen C2919945, MONDO:0000820, OMIM 116860, HP:0033522.

Allele frequency attached by ClinVar (database versions not stated): gnomAD exomes below 0.00001.
gnomAD v4.1: 1 of 1,362,908 alleles (0.000073%); highest among the groups gnomAD compares: Non-Finnish European, 0.00011%; no homozygotes.

Submissions (2):

PreventionGenetics, part of Exact Sciences
Classification: Pathogenic. Last evaluated: 2017-06-08. Review status: criteria provided, single submitter. Criteria: ACMG Guidelines, 2015. Collection method: clinical testing. Allele origin: germline.

Labcorp Genetics (formerly Invitae), Labcorp
Classification: Pathogenic for Cerebral cavernous malformation. Last evaluated: 2016-12-21. Review status: criteria provided, single submitter. Criteria: Invitae Variant Classification Sherloc (09022015). Collection method: clinical testing. Allele origin: germline.
Comment: For these reasons, this variant has been classified as Pathogenic. Loss-of-function variants in KRIT1 are known to be pathogenic. This particular variant has been reported in the literature in individuals and families affected with cerebral cavernous malformations (PMID: 11222804, 24689081, 23584803). This variant is also known as IVS2-1G>A in the literature. This sequence change affects an acceptor splice site in intron 9 of the KRIT1 gene. It is expected to disrupt RNA splicing and likely results in an absent or disrupted protein product.

Literature cited by the submitters: PubMed 11222804 (cited by Labcorp Genetics (formerly Invitae), Labcorp); PubMed 24689081 (cited by Labcorp Genetics (formerly Invitae), Labcorp); PubMed 23584803 (cited by Labcorp Genetics (formerly Invitae), Labcorp).